The following is an entry in ClinVar:

NM_001375808.2(LPIN2):c.1168+120C>T

Gene: LPIN2 (lipin 2; minus strand). Cytogenetic location: 18p11.31.
Variant type: single nucleotide variant.
Coding change: c.1168+120C>T on transcript NM_001375808.2 (MANE Select); 120 bases into the intron after coding-DNA position 1168, C replaced by T.
Molecular consequence: intron variant.
Genome position (GRCh38, 1-based): chr18:2,937,572, G>A on the plus strand (C>T on the coding strand, the complement: LPIN2 is on the minus strand). VCF-style: chr18-2937572-G-A. GRCh37 (hg19) VCF-style: chr18-2937570-G-A.
Other names: c.1168+120C>T (NM_014646.2, NM_001375809.1).
Identifiers: ClinVar variation 677639 (VCV000677639.1), dbSNP rs868816773, ClinGen allele CA295507247.
Genomic context (GRCh38, chr18:2,937,572, plus strand): 5'-TCCAGCCTGGGTAACAAGAGCGAAACTCCAGCTAAAAAAAAAAAAAAAAAAAAAAAAAAA[G>A]TGCGACGGGTTTCGACTGGTGAATACAAATACAGAGGCAGCCATCACGTTATGTGGAACA-3'

ClinVar aggregate classification (germline): Likely benign (1 of 4 stars; one submission).

Submission:

GeneDx
Classification: Likely benign. Last evaluated: 2018-06-14. Review status: criteria provided, single submitter. Criteria: GeneDx Variant Classification (06012015). Collection method: clinical testing. Allele origin: germline. Affected: yes.
Comment: This variant is considered likely benign or benign based on one or more of the following criteria: it is a conservative change, it occurs at a poorly conserved position in the protein, it is predicted to be benign by multiple in silico algorithms, and/or has population frequency not consistent with disease.